The following is an entry in ClinVar:

ClinVar aggregate classification (germline): Uncertain significance. Review status: criteria provided, multiple submitters, no conflicts (2 of 4 stars). 6 submissions from 6 submitters: Uncertain significance (6). Last evaluated 2025-12-20.

Conditions:
Familial adenomatous polyposis 1 (FAP1). Also called: FAMILIAL ADENOMATOUS POLYPOSIS 1, ATTENUATED; POLYPOSIS, ADENOMATOUS INTESTINAL. Identifiers: MedGen C2713442, MONDO:0021056, OMIM 175100. Disease mechanism: loss of function.
Hepatocellular carcinoma (HCC). Also called: Primary carcinoma of liver; HEPATOMA; LIVER CELL CARCINOMA. Identifiers: Orphanet 88673, MedGen C2239176, MONDO:0007256, OMIM 114550, HP:0001402.
Desmoid disease, hereditary (DESMD). Also called: FIBROMATOSIS, FAMILIAL INFILTRATIVE. Identifiers: Orphanet 873, MedGen C1851124, OMIM 135290. Disease mechanism: loss of function.
Gastric adenocarcinoma and proximal polyposis of the stomach (GAPPS). Also called: POLYPOSIS, GASTRIC; Gastric Adenocarcinoma and Proximal Polyposis of the Stomach (GAPPS); Polyposis, gastric, Dos Santos and de Magalhaes 1980. Identifiers: Orphanet 314022, MedGen C4749917, MONDO:0017790, OMIM 619182.
Gastric cancer. Also called: Stomach cancer; Malignant tumor of stomach. Identifiers: MedGen C0024623, MeSH D013274, MONDO:0001056, OMIM 613659, HP:0012126.
Colorectal cancer. Also called: Colorectal cancer, somatic; Malignant Colorectal Neoplasm. Identifiers: MedGen C0346629, MONDO:0005575, OMIM 114500.
Classic or attenuated familial adenomatous polyposis. Identifiers: MedGen CN372698, MONDO:0021057.
Hereditary cancer-predisposing syndrome. Also called: Tumor predisposition; Hereditary neoplastic syndrome; Hereditary Cancer Syndrome; Neoplastic Syndromes, Hereditary. Identifiers: Orphanet 140162, MedGen C0027672, MeSH D009386, MONDO:0015356.

Allele frequency attached by ClinVar (database versions not stated): gnomAD exomes below 0.00001; ExAC 0.00001; gnomAD 0.00001; TOPMed 0.00001.
gnomAD v4.1: 1 of 1,613,830 alleles (0.000062%); highest among the groups gnomAD compares: African/African-American, 0.0013%; no homozygotes.

Submissions (6):

Labcorp Genetics (formerly Invitae), Labcorp
Classification: Uncertain significance for Familial adenomatous polyposis 1. Last evaluated: 2025-12-20. Review status: criteria provided, single submitter. Criteria: Invitae Variant Classification Sherloc (09022015). Collection method: clinical testing. Allele origin: germline.
Comment: This sequence change replaces tyrosine, which is neutral and polar, with histidine, which is basic and polar, at codon 500 of the APC protein (p.Tyr500His). This variant is present in population databases (rs762019672, gnomAD 0.007%). This variant has not been reported in the literature in individuals affected with APC-related conditions. ClinVar contains an entry for this variant (Variation ID: 517219). Invitae Evidence Modeling of protein sequence and biophysical properties (such as structural, functional, and spatial information, amino acid conservation, physicochemical variation, residue mobility, and thermodynamic stability) indicates that this missense variant is not expected to disrupt APC protein function with a negative predictive value of 95%. In summary, the available evidence is currently insufficient to determine the role of this variant in disease. Therefore, it has been classified as a Variant of Uncertain Significance.

Ambry Genetics
Classification: Uncertain significance for Hereditary cancer-predisposing syndrome. Last evaluated: 2025-07-22. Review status: criteria provided, single submitter. Criteria: Ambry Variant Classification Scheme 2023. Collection method: clinical testing. Allele origin: germline.
Comment: The p.Y500H variant (also known as c.1498T>C), located in coding exon 11 of the APC gene, results from a T to C substitution at nucleotide position 1498. The tyrosine at codon 500 is replaced by histidine, an amino acid with similar properties. This amino acid position is conserved. In addition, in silico predictors for this gene do not accurately predict pathogenicity. Since supporting evidence is limited at this time, the clinical significance of this alteration remains unclear.

Fulgent Genetics
Classification: Uncertain significance for Colorectal cancer; Hepatocellular carcinoma; Desmoid disease, hereditary; Familial adenomatous polyposis 1; Gastric cancer; Gastric adenocarcinoma and proximal polyposis of the stomach. Last evaluated: 2024-05-16. Review status: criteria provided, single submitter. Criteria: ACMG Guidelines, 2015. Collection method: clinical testing. Allele origin: germline.

GeneDx
Classification: Uncertain significance. Last evaluated: 2023-12-21. Review status: criteria provided, single submitter. Criteria: GeneDx Variant Classification Process June 2021. Collection method: clinical testing. Allele origin: germline. Affected: yes.
Comment: Not observed at significant frequency in large population cohorts (gnomAD); In silico analysis supports that this missense variant has a deleterious effect on protein structure/function; Has not been previously published as pathogenic or benign to our knowledge; This variant is associated with the following publications: (PMID: 18199528)

All of Us Research Program, National Institutes of Health
Classification: Uncertain significance for Classic or attenuated familial adenomatous polyposis. Last evaluated: 2023-03-28. Review status: criteria provided, single submitter. Criteria: ACMG Guidelines, 2015. Collection method: clinical testing. Allele origin: germline. Inheritance: Autosomal dominant inheritance. Observed: 1 variant allele, 1 heterozygote.
Comment: This study involves interpretation of variants in research participants for the purpose of population health screening. Participant phenotype was not available at the time of variant classification. Additional details can be found in publication PMID: 35346344, PMCID: PMC8962531

Laboratory for Molecular Medicine, Mass General Brigham Personalized Medicine
Classification: Uncertain significance. Last evaluated: 2017-02-20. Review status: criteria provided, single submitter. Criteria: LMM Criteria. Collection method: clinical testing. Allele origin: germline. Observed: 1 variant allele.
Comment: The p.Tyr500His variant in APC has not been previously reported in individuals w ith colorectal cancer, but has been identified in 1/10406 African chromosomes by the Exome Aggregation Consortium (ExAC; dbSNP r s762019672). Computational prediction tools and conservation analysis suggest th at the p.Tyr500His variant may impact the protein, though this information is no t predictive enough to determine pathogenicity. In summary, the clinical signifi cance of the p.Tyr500His variant is uncertain.

NM_000038.6(APC):c.1498T>C (p.Tyr500His)

Gene: APC (APC regulator of Wnt signaling pathway; plus strand). Cytogenetic location: 5q22.2.
Variant type: single nucleotide variant.
Coding change: c.1498T>C on transcript NM_000038.6 (MANE Select); coding-DNA position 1498, T replaced by C.
Protein change: p.Tyr500His; replaces tyrosine 500 with histidine.
Molecular consequence: missense variant.
Genome position (GRCh38, 1-based): chr5:112,827,197, T>C. VCF-style: chr5-112827197-T-C. GRCh37 (hg19) VCF-style: chr5-112162894-T-C.
Other names: c.1498T>C, p.Tyr500His (NM_001127510.3, NM_001354895.2); c.1444T>C, p.Tyr482His (NM_001127511.3); c.1552T>C, p.Tyr518His (NM_001354896.2); c.1528T>C, p.Tyr510His (NM_001354897.2); c.1423T>C, p.Tyr475His (NM_001354898.2); c.1414T>C, p.Tyr472His (NM_001354899.2); c.1375T>C, p.Tyr459His (NM_001354900.2); c.1321T>C, p.Tyr441His (NM_001354901.2); and 5 more; short protein forms Y482H, Y500H, Y472H, Y475H, Y217H, Y441H, Y340H, Y374H.
Identifiers: ClinVar variation 517219 (VCV000517219.18), dbSNP rs762019672, ClinGen allele CA027988.